The following is an entry in ClinVar:

NM_018249.6(CDK5RAP2):c.173G>A (p.Arg58Gln)

Gene: CDK5RAP2 (CDK5 regulatory subunit associated protein 2; minus strand). Cytogenetic location: 9q33.2.
Variant type: single nucleotide variant.
Coding change: c.173G>A on transcript NM_018249.6 (MANE Select); coding-DNA position 173, G replaced by A.
Protein change: p.Arg58Gln; replaces arginine 58 with glutamine.
Molecular consequence: missense variant. On other transcripts: non-coding transcript variant (5).
Genome position (GRCh38, 1-based): chr9:120,568,343, C>T on the plus strand (G>A on the coding strand, the complement: CDK5RAP2 is on the minus strand). VCF-style: chr9-120568343-C-T. GRCh37 (hg19) VCF-style: chr9-123330621-C-T.
Other names: c.173G>A, p.Arg58Gln (NM_001011649.3, NM_001272039.2, NM_001410992.1 and 2 more transcripts); short protein forms R58Q.
Identifiers: ClinVar variation 2186791 (VCV002186791.4), dbSNP rs1318013964, ClinGen allele CA374716342.

ClinVar aggregate classification (germline): Uncertain significance (1 of 4 stars; one submission).

Submission:

Labcorp Genetics (formerly Invitae), Labcorp
Classification: Uncertain significance. Last evaluated: 2024-04-10. Review status: criteria provided, single submitter. Criteria: Invitae Variant Classification Sherloc (09022015). Collection method: clinical testing. Allele origin: germline.
Comment: This sequence change replaces arginine, which is basic and polar, with glutamine, which is neutral and polar, at codon 58 of the CDK5RAP2 protein (p.Arg58Gln). This variant is not present in population databases (gnomAD no frequency). This variant has not been reported in the literature in individuals affected with CDK5RAP2-related conditions. ClinVar contains an entry for this variant (Variation ID: 2186791). An algorithm developed to predict the effect of missense changes on protein structure and function (PolyPhen-2) suggests that this variant is likely to be tolerated. In summary, the available evidence is currently insufficient to determine the role of this variant in disease. Therefore, it has been classified as a Variant of Uncertain Significance.